The following is an entry in ClinVar:

ClinVar aggregate classification (germline): Likely pathogenic (1 of 4 stars; one submission).

Conditions:
Primary hyperoxaluria type 3. Also called: PH III. Identifiers: Orphanet 416, Orphanet 93600, MedGen C3150878, MONDO:0013327, OMIM 613616. Disease mechanism: loss of function.

gnomAD v4.1: 1 of 1,614,142 alleles (0.000062%); no homozygotes.

Submission:

Clinical Biochemistry Laboratory, Health Services Laboratory
Classification: Likely pathogenic for Primary hyperoxaluria type 3. Last evaluated: 2023-10-27. Review status: criteria provided, single submitter. Criteria: ACMG Guidelines, 2015. Collection method: curation. Allele origin: germline. Affected: yes.
Comment: ACMG:PM3 PM5 PP3 PP3 BP1

Literature cited by the submitters: PubMed 28711958; PubMed 3386585; PubMed 31078535.

NM_138413.4(HOGA1):c.634A>C (p.Thr212Pro)

Gene: HOGA1 (4-hydroxy-2-oxoglutarate aldolase 1; plus strand). Cytogenetic location: 10q24.2.
Variant type: single nucleotide variant.
Coding change: c.634A>C on transcript NM_138413.4 (MANE Select); coding-DNA position 634, A replaced by C.
Protein change: p.Thr212Pro; replaces threonine 212 with proline.
Molecular consequence: missense variant. On other transcripts: intron variant (1).
Genome position (GRCh38, 1-based): chr10:97,600,097, A>C. VCF-style: chr10-97600097-A-C. GRCh37 (hg19) VCF-style: chr10-99359854-A-C.
Other names: c.212-1760A>C (NM_001134670.2); short protein forms T212P.
Identifiers: ClinVar variation 2664395 (VCV002664395.1), dbSNP rs779492256, ClinGen allele CA377979460.